The following is an entry in ClinVar:

ClinVar aggregate classification (germline): Uncertain significance (1 of 4 stars; one submission).

Conditions:
Brugada syndrome 8 (BRGDA8). Identifiers: Orphanet 130, MedGen C2751083, MONDO:0013148, OMIM 613123.

Allele frequency attached by ClinVar (database versions not stated): gnomAD exomes 0.00001 and 0.00002; gnomAD 0.00004 and 0.00005; TOPMed 0.00005.
gnomAD v4.1: 11 of 1,600,910 alleles (0.00069%); highest among the groups gnomAD compares: Admixed American, 0.018%; no homozygotes.

Submission:

Labcorp Genetics (formerly Invitae), Labcorp
Classification: Uncertain significance for Brugada syndrome 8. Last evaluated: 2023-03-26. Review status: criteria provided, single submitter. Criteria: Invitae Variant Classification Sherloc (09022015). Collection method: clinical testing. Allele origin: germline.
Comment: In summary, the available evidence is currently insufficient to determine the role of this variant in disease. Therefore, it has been classified as a Variant of Uncertain Significance. Advanced modeling of protein sequence and biophysical properties (such as structural, functional, and spatial information, amino acid conservation, physicochemical variation, residue mobility, and thermodynamic stability) performed at Invitae indicates that this missense variant is not expected to disrupt HCN4 protein function. ClinVar contains an entry for this variant (Variation ID: 470674). This variant has not been reported in the literature in individuals affected with HCN4-related conditions. This variant is present in population databases (no rsID available, gnomAD 0.02%). This sequence change replaces aspartic acid, which is acidic and polar, with asparagine, which is neutral and polar, at codon 198 of the HCN4 protein (p.Asp198Asn).

NM_005477.3(HCN4):c.592G>A (p.Asp198Asn)

Gene: HCN4 (hyperpolarization activated cyclic nucleotide gated potassium channel 4; minus strand). Cytogenetic location: 15q24.1.
Variant type: single nucleotide variant.
Coding change: c.592G>A on transcript NM_005477.3 (MANE Select); coding-DNA position 592, G replaced by A.
Protein change: p.Asp198Asn; replaces aspartic acid 198 with asparagine.
Molecular consequence: missense variant.
Genome position (GRCh38, 1-based): chr15:73,367,679, C>T on the plus strand (G>A on the coding strand, the complement: HCN4 is on the minus strand). VCF-style: chr15-73367679-C-T. GRCh37 (hg19) VCF-style: chr15-73660020-C-T.
Other names: short protein forms D198N.
Identifiers: ClinVar variation 470674 (VCV000470674.8), dbSNP rs1168642170, ClinGen allele CA393097544.